The following is an entry in ClinVar:

NM_015884.4(MBTPS2):c.176G>A (p.Arg59His)

Gene: MBTPS2 (membrane bound transcription factor peptidase, site 2; plus strand). Cytogenetic location: Xp22.12.
Variant type: single nucleotide variant.
Coding change: c.176G>A on transcript NM_015884.4 (MANE Select); coding-DNA position 176, G replaced by A.
Protein change: p.Arg59His; replaces arginine 59 with histidine.
Molecular consequence: missense variant.
Genome position (GRCh38, 1-based): chrX:21,843,270, G>A. VCF-style: chrX-21843270-G-A. GRCh37 (hg19) VCF-style: chrX-21861388-G-A.
Other names: c.176G>A (NM_015884.3); short protein forms R59H.
Identifiers: ClinVar variation 1371751 (VCV001371751.7), dbSNP rs761602380, ClinGen allele CA10367301.

ClinVar aggregate classification (germline): Uncertain significance. Review status: criteria provided, multiple submitters, no conflicts (2 of 4 stars). 2 submissions from 2 submitters: Uncertain significance (2). Last evaluated 2025-06-26.

Conditions:
Inborn genetic diseases. Identifiers: MedGen C0950123, MeSH D030342.

Allele frequency attached by ClinVar (database versions not stated): ExAC 0.00001; gnomAD exomes 0.00001; TOPMed 0.00001.
gnomAD v4.1: 8 of 1,210,798 alleles (0.00066%); highest among the groups gnomAD compares: Non-Finnish European, 0.00078%; no homozygotes.

Submissions (2):

Ambry Genetics
Classification: Uncertain significance for Inborn genetic diseases. Last evaluated: 2025-06-26. Review status: criteria provided, single submitter. Criteria: Ambry Variant Classification Scheme 2023. Collection method: clinical testing. Allele origin: germline.

Labcorp Genetics (formerly Invitae), Labcorp
Classification: Uncertain significance. Last evaluated: 2022-05-17. Review status: criteria provided, single submitter. Criteria: Invitae Variant Classification Sherloc (09022015). Collection method: clinical testing. Allele origin: germline.
Comment: In summary, the available evidence is currently insufficient to determine the role of this variant in disease. Therefore, it has been classified as a Variant of Uncertain Significance. Algorithms developed to predict the effect of missense changes on protein structure and function (SIFT, PolyPhen-2, Align-GVGD) all suggest that this variant is likely to be tolerated. This variant has not been reported in the literature in individuals affected with MBTPS2-related conditions. This variant is present in population databases (rs761602380, gnomAD 0.001%), including at least one homozygous and/or hemizygous individual. This sequence change replaces arginine, which is basic and polar, with histidine, which is basic and polar, at codon 59 of the MBTPS2 protein (p.Arg59His).